The following is an entry in ClinVar:

NM_001085487.3(MYSM1):c.857A>G (p.Asp286Gly)

Gene: MYSM1 (Myb like, SWIRM and MPN domains 1; minus strand). Cytogenetic location: 1p32.1.
Variant type: single nucleotide variant.
Coding change: c.857A>G on transcript NM_001085487.3 (MANE Select); coding-DNA position 857, A replaced by G.
Protein change: p.Asp286Gly; replaces aspartic acid 286 with glycine.
Molecular consequence: missense variant.
Genome position (GRCh38, 1-based): chr1:58,682,187, T>C on the plus strand (A>G on the coding strand, the complement: MYSM1 is on the minus strand). VCF-style: chr1-58682187-T-C. GRCh37 (hg19) VCF-style: chr1-59147859-T-C.
Other names: short protein forms D286G.
Identifiers: ClinVar variation 2050564 (VCV002050564.5), dbSNP rs1182823204, ClinGen allele CA340527418.

ClinVar aggregate classification (germline): Conflicting classifications of pathogenicity. Review status: criteria provided, conflicting classifications (1 of 4 stars). 2 submissions from 2 submitters: Uncertain significance (1); Likely benign (1). Last evaluated 2024-10-04.

Allele frequency attached by ClinVar (database versions not stated): gnomAD exomes below 0.00001; TOPMed below 0.00001.

Submissions (2):

Blueprint Genetics
Classification: Likely benign. Last evaluated: 2024-10-04. Review status: criteria provided, single submitter. Criteria: ACMG Guidelines, 2015. Collection method: clinical testing. Allele origin: germline.

Labcorp Genetics (formerly Invitae), Labcorp
Classification: Uncertain significance. Last evaluated: 2021-12-20. Review status: criteria provided, single submitter. Criteria: Invitae Variant Classification Sherloc (09022015). Collection method: clinical testing. Allele origin: germline.
Comment: Algorithms developed to predict the effect of missense changes on protein structure and function output the following: SIFT: "Tolerated"; PolyPhen-2: "Benign"; Align-GVGD: "Class C0". The glycine amino acid residue is found in multiple mammalian species, which suggests that this missense change does not adversely affect protein function. In summary, the available evidence is currently insufficient to determine the role of this variant in disease. Therefore, it has been classified as a Variant of Uncertain Significance. Algorithms developed to predict the effect of sequence changes on RNA splicing suggest that this variant may create or strengthen a splice site. This variant has not been reported in the literature in individuals affected with MYSM1-related conditions. This variant is not present in population databases (gnomAD no frequency). This sequence change replaces aspartic acid, which is acidic and polar, with glycine, which is neutral and non-polar, at codon 286 of the MYSM1 protein (p.Asp286Gly).